The following is an entry in ClinVar:

NM_000038.6(APC):c.1913T>C (p.Ile638Thr)

Gene: APC (APC regulator of Wnt signaling pathway; plus strand). Cytogenetic location: 5q22.2.
Variant type: single nucleotide variant.
Coding change: c.1913T>C on transcript NM_000038.6 (MANE Select); coding-DNA position 1913, T replaced by C.
Protein change: p.Ile638Thr; replaces isoleucine 638 with threonine.
Molecular consequence: missense variant. On other transcripts: non-coding transcript variant (2).
Genome position (GRCh38, 1-based): chr5:112,835,120, T>C. VCF-style: chr5-112835120-T-C. GRCh37 (hg19) VCF-style: chr5-112170817-T-C.
Other names: c.1913T>C, p.Ile638Thr (NM_001127510.3, NM_001354895.2, NM_001407450.1); c.1859T>C, p.Ile620Thr (NM_001127511.3); c.1967T>C, p.Ile656Thr (NM_001354896.2, NM_001407447.1, NM_001407448.1 and 1 more transcripts); c.1943T>C, p.Ile648Thr (NM_001354897.2); c.1838T>C, p.Ile613Thr (NM_001354898.2); c.1829T>C, p.Ile610Thr (NM_001354899.2); c.1790T>C, p.Ile597Thr (NM_001354900.2); c.1736T>C, p.Ile579Thr (NM_001354901.2, NM_001407453.1); and 11 more; short protein forms I512T, I555T, I597T, I638T, I666T, I547T, I610T, I620T.
Identifiers: ClinVar variation 2624846 (VCV002624846.3), dbSNP rs2149843802, ClinGen allele CA16025499.

ClinVar aggregate classification (germline): Uncertain significance. Review status: criteria provided, multiple submitters, no conflicts (2 of 4 stars). 2 submissions from 2 submitters: Uncertain significance (2). Last evaluated 2024-01-14.

Conditions:
Hereditary cancer-predisposing syndrome. Also called: Tumor predisposition; Hereditary Cancer Syndrome; Hereditary neoplastic syndrome; Neoplastic Syndromes, Hereditary. Identifiers: Orphanet 140162, MedGen C0027672, MeSH D009386, MONDO:0015356.

Submissions (2):

Color Diagnostics, LLC DBA Color Health
Classification: Uncertain significance for Hereditary cancer-predisposing syndrome. Last evaluated: 2024-01-14. Review status: criteria provided, single submitter. Criteria: ACMG Guidelines, 2015. Collection method: clinical testing. Allele origin: germline.
Comment: This missense variant replaces isoleucine with threonine at codon 638 of the APC protein. Computational prediction suggests that this variant may have deleterious impact on protein structure and function (internally defined REVEL score threshold >= 0.7, PMID: 27666373). To our knowledge, functional studies have not been reported for this variant. This variant has not been reported in individuals affected with APC-related disorders in the literature. This variant has not been identified in the general population by the Genome Aggregation Database (gnomAD). The available evidence is insufficient to determine the role of this variant in disease conclusively. Therefore, this variant is classified as a Variant of Uncertain Significance.

Ambry Genetics
Classification: Uncertain significance for Hereditary cancer-predisposing syndrome. Last evaluated: 2023-09-10. Review status: criteria provided, single submitter. Criteria: Ambry Variant Classification Scheme 2023. Collection method: clinical testing. Allele origin: germline.
Comment: The p.I638T variant (also known as c.1913T>C), located in coding exon 14 of the APC gene, results from a T to C substitution at nucleotide position 1913. The isoleucine at codon 638 is replaced by threonine, an amino acid with similar properties. This amino acid position is conserved. In addition, in silico predictors for this gene do not accurately predict pathogenicity. Since supporting evidence is limited at this time, the clinical significance of this alteration remains unclear.